The following is an entry in ClinVar:

NM_152906.7(TANGO2):c.50C>T (p.Ala17Val)

Gene: TANGO2 (transport and golgi organization 2 homolog; plus strand). Cytogenetic location: 22q11.21.
Variant type: single nucleotide variant.
Coding change: c.50C>T on transcript NM_152906.7 (MANE Select); coding-DNA position 50, C replaced by T.
Protein change: p.Ala17Val; replaces alanine 17 with valine.
Molecular consequence: missense variant. On other transcripts: 5 prime UTR variant (20), non-coding transcript variant (5).
Genome position (GRCh38, 1-based): chr22:20,036,848, C>T. VCF-style: chr22-20036848-C-T. GRCh37 (hg19) VCF-style: chr22-20024371-C-T.
Other names: c.50C>T, p.Ala17Val (NM_001283106.3, NM_001283116.3, NM_001283148.3 and 10 more transcripts); c.-68C>T (NM_001283129.3, NM_001283215.3, NM_001322141.2 and 5 more transcripts); c.-130C>T (NM_001283235.3, NM_001322146.2, NM_001322153.2 and 5 more transcripts); c.-370C>T (NM_001322148.2, NM_001322150.2, NM_001322172.2 and 1 more transcripts); short protein forms A17V.
Identifiers: ClinVar variation 1371324 (VCV001371324.3), dbSNP rs145901234, ClinGen allele CA10106114.
Genomic context (GRCh38, chr22:20,036,848, plus strand): 5'-CCTGCACCACCATGTGCATCATCTTCTTTAAGTTTGATCCTCGCCCTGTTTCCAAAAACG[C>T]GTACAGGTAACCCCCTCGCTCTGCATCTGCTGCGCCCTGCAGGGTCCTGGGTGCCCAGCC-3'
Protein context (NP_690870.3, residues 7-27): KFDPRPVSKN[Ala17Val]YRLILAANRD

ClinVar aggregate classification (germline): Uncertain significance (1 of 4 stars; one submission).

Allele frequency attached by ClinVar (database versions not stated): gnomAD exomes 0.00001 and 0.00002; TOPMed 0.00001; ExAC 0.00002; gnomAD 0.00002; ESP Exome Variant Server 0.00008.
gnomAD v4.1: 17 of 1,614,112 alleles (0.0011%); highest among the groups gnomAD compares: African/African-American, 0.004%; no homozygotes.

Submission:

Labcorp Genetics (formerly Invitae), Labcorp
Classification: Uncertain significance. Last evaluated: 2021-07-31. Review status: criteria provided, single submitter. Criteria: Invitae Variant Classification Sherloc (09022015). Collection method: clinical testing. Allele origin: germline.
Comment: This sequence change replaces alanine with valine at codon 17 of the TANGO2 protein (p.Ala17Val). The alanine residue is moderately conserved and there is a small physicochemical difference between alanine and valine. This variant is present in population databases (rs145901234, ExAC 0.02%). This variant has not been reported in the literature in individuals affected with TANGO2-related conditions. Algorithms developed to predict the effect of missense changes on protein structure and function are either unavailable or do not agree on the potential impact of this missense change (SIFT: "Not Available"; PolyPhen-2: "Possibly Damaging"; Align-GVGD: "Not Available"). In summary, the available evidence is currently insufficient to determine the role of this variant in disease. Therefore, it has been classified as a Variant of Uncertain Significance.